The following is an entry in ClinVar:

ClinVar aggregate classification (germline): Uncertain significance (1 of 4 stars; one submission).

gnomAD v4.1: 10 of 1,612,760 alleles (0.00062%); highest among the groups gnomAD compares: Non-Finnish European, 0.00085%; no homozygotes.

Submission:

Labcorp Genetics (formerly Invitae), Labcorp
Classification: Uncertain significance. Last evaluated: 2025-06-20. Review status: criteria provided, single submitter. Criteria: Invitae Variant Classification Sherloc (09022015). Collection method: clinical testing. Allele origin: germline.
Comment: The OPA1 gene has multiple clinically relevant transcripts. This variant occurs in alternate transcript NM_130837.2, and corresponds to NM_015560.2:c.556+514G>A in the primary transcript. This sequence change replaces serine, which is neutral and polar, with asparagine, which is neutral and polar, at codon 191 of the OPA1 protein (p.Ser191Asn). This variant is not present in population databases (gnomAD no frequency). This variant has not been reported in the literature in individuals affected with OPA1-related conditions. ClinVar contains an entry for this variant (Variation ID: 1942750). Experimental studies and prediction algorithms are not available or were not evaluated, and the functional significance of this variant is currently unknown. Algorithms developed to predict the effect of sequence changes on RNA splicing suggest that this variant may create or strengthen a splice site. In summary, the available evidence is currently insufficient to determine the role of this variant in disease. Therefore, it has been classified as a Variant of Uncertain Significance.

NM_130837.3(OPA1):c.572G>A (p.Ser191Asn)

Gene: OPA1 (OPA1 mitochondrial dynamin like GTPase; plus strand). Cytogenetic location: 3q29.
Variant type: single nucleotide variant.
Coding change: c.572G>A on transcript NM_130837.3 (MANE Select); coding-DNA position 572, G replaced by A.
Protein change: p.Ser191Asn; replaces serine 191 with asparagine.
Molecular consequence: missense variant. On other transcripts: intron variant (6).
Genome position (GRCh38, 1-based): chr3:193,617,799, G>A. VCF-style: chr3-193617799-G-A. GRCh37 (hg19) VCF-style: chr3-193335588-G-A.
Other names: c.464G>A, p.Ser155Asn (NM_130832.3, NM_130835.3); c.572G>A, p.Ser191Asn (NM_130834.3); c.184+514G>A (NM_001354664.2); c.77-1070G>A (NM_001354663.2); c.556+514G>A (NM_130836.3, NM_015560.3); c.449-1070G>A (NM_130833.3, NM_130831.3); short protein forms S155N, S191N.
Identifiers: ClinVar variation 1942750 (VCV001942750.5), dbSNP rs774414089, ClinGen allele CA90569745.